The following is an entry in ClinVar:

ClinVar aggregate classification (germline): Uncertain significance (1 of 4 stars; one submission).

Submission:

Labcorp Genetics (formerly Invitae), Labcorp
Classification: Uncertain significance. Last evaluated: 2022-07-20. Review status: criteria provided, single submitter. Criteria: Invitae Variant Classification Sherloc (09022015). Collection method: clinical testing. Allele origin: germline.
Comment: In summary, the available evidence is currently insufficient to determine the role of this variant in disease. Therefore, it has been classified as a Variant of Uncertain Significance. Experimental studies and prediction algorithms are not available or were not evaluated, and the functional significance of this variant is currently unknown. This variant has not been reported in the literature in individuals affected with RINT1-related conditions. This variant results in a copy number gain of the genomic region encompassing exon(s) 8-11 of the RINT1 gene. While the exact position of this variant cannot be determined from the data, sub-genic copy number gains are generally in tandem (PMID: 25640679). This variant is predicted to be in-frame, and likely preserves the integrity of the reading frame.

Literature cited by the submitters: PubMed 25640679.

NC_000007.13:g.(?_105190492)_(105195684_?)dup

Gene: RINT1 (RAD50 interactor 1; plus strand). Cytogenetic location: 7q22.3.
Variant type: Duplication.
Identifiers: ClinVar variation 2426693 (VCV002426693.4).